The following is an entry in ClinVar:

NM_002645.4(PIK3C2A):c.481A>G (p.Thr161Ala)

Gene: PIK3C2A (phosphatidylinositol-4-phosphate 3-kinase catalytic subunit type 2 alpha; minus strand). Cytogenetic location: 11p15.1.
Variant type: single nucleotide variant.
Coding change: c.481A>G on transcript NM_002645.4 (MANE Select); coding-DNA position 481, A replaced by G.
Protein change: p.Thr161Ala; replaces threonine 161 with alanine.
Molecular consequence: missense variant. On other transcripts: intron variant (1).
Genome position (GRCh38, 1-based): chr11:17,169,261, T>C on the plus strand (A>G on the coding strand, the complement: PIK3C2A is on the minus strand). VCF-style: chr11-17169261-T-C. GRCh37 (hg19) VCF-style: chr11-17190808-T-C.
Other names: c.481A>G, p.Thr161Ala (NM_001321378.2, NM_001386870.1); c.-75-13632A>G (NM_001321380.2); c.481A>G (NM_002645.2); short protein forms T161A.
Identifiers: ClinVar variation 1925985 (VCV001925985.5), dbSNP rs755691207, ClinGen allele CA5901565.
Genomic context (GRCh38, chr11:17,169,261, plus strand): 5'-ATGGAAAAGTGGGCATTCTTGGATTGAAGCCATTTTGGAATGCAGCCTGTTTACTGTAAG[T>C]AGAAGGATAAATAGAAGGTAAAGCATAAGTGGAAGGCCCAGGTAATCCAGGTGGCCACTG-3'
Protein context (NP_002636.2, residues 151-171): TYALPSIYPS[Thr161Ala]YSKQAAFQNG

ClinVar aggregate classification (germline): Uncertain significance. Review status: criteria provided, multiple submitters, no conflicts (2 of 4 stars). 2 submissions from 2 submitters: Uncertain significance (2). Last evaluated 2025-03-10.

Allele frequency attached by ClinVar (database versions not stated): ExAC 0.00001; gnomAD 0.00003; gnomAD exomes 0.00003; TOPMed 0.00003.
gnomAD v4.1: 44 of 1,613,942 alleles (0.0027%); highest among the groups gnomAD compares: Non-Finnish European, 0.0036%; no homozygotes.

Submissions (2):

Ambry Genetics
Classification: Uncertain significance. Last evaluated: 2025-03-10. Review status: criteria provided, single submitter. Criteria: Ambry Variant Classification Scheme 2023. Collection method: clinical testing. Allele origin: germline.

Labcorp Genetics (formerly Invitae), Labcorp
Classification: Uncertain significance. Last evaluated: 2023-12-18. Review status: criteria provided, single submitter. Criteria: Invitae Variant Classification Sherloc (09022015). Collection method: clinical testing. Allele origin: germline.
Comment: This sequence change replaces threonine, which is neutral and polar, with alanine, which is neutral and non-polar, at codon 161 of the PIK3C2A protein (p.Thr161Ala). This variant is present in population databases (rs755691207, gnomAD 0.004%). This variant has not been reported in the literature in individuals affected with PIK3C2A-related conditions. ClinVar contains an entry for this variant (Variation ID: 1925985). Algorithms developed to predict the effect of missense changes on protein structure and function output the following: SIFT: "Not Available"; PolyPhen-2: "Benign"; Align-GVGD: "Not Available". The alanine amino acid residue is found in multiple mammalian species, which suggests that this missense change does not adversely affect protein function. In summary, the available evidence is currently insufficient to determine the role of this variant in disease. Therefore, it has been classified as a Variant of Uncertain Significance.